The following is an entry in ClinVar:

ClinVar aggregate classification (germline): Uncertain significance (1 of 4 stars; one submission).

Submission:

GeneDx
Classification: Uncertain significance. Last evaluated: 2023-01-31. Review status: criteria provided, single submitter. Criteria: GeneDx Variant Classification Process June 2021. Collection method: clinical testing. Allele origin: germline. Affected: yes.
Comment: Nonsense variant predicted to result in protein truncation or nonsense mediated decay in a gene for which loss of function is a known mechanism of disease; Has not been previously published as pathogenic or benign to our knowledge

NM_001753.5(CAV1):c.61C>T (p.Gln21Ter)

Gene: CAV1 (caveolin 1; plus strand). Cytogenetic location: 7q31.2.
Variant type: single nucleotide variant.
Coding change: c.61C>T on transcript NM_001753.5 (MANE Select); coding-DNA position 61, C replaced by T.
Protein change: p.Gln21Ter; replaces glutamine 21 with a stop codon.
Molecular consequence: nonsense. On other transcripts: 5 prime UTR variant (3).
Genome position (GRCh38, 1-based): chr7:116,526,555, C>T. VCF-style: chr7-116526555-C-T. GRCh37 (hg19) VCF-style: chr7-116166609-C-T.
Other names: c.-33C>T (NM_001172895.1, NM_001172896.2, NM_001172897.2); short protein forms Q21*.
Identifiers: ClinVar variation 2574267 (VCV002574267.1), dbSNP rs1219124459, ClinGen allele CA369116631.